The following is an entry in ClinVar:

ClinVar aggregate classification (germline): Pathogenic/Likely pathogenic. Review status: criteria provided, multiple submitters, no conflicts (2 of 4 stars). 10 submissions from 9 submitters: Pathogenic (9); Likely pathogenic (1). Last evaluated 2025-04-17.

Conditions:
MTM1-related disorder. Also called: MTM1-related condition.
Inborn genetic diseases. Identifiers: MedGen C0950123, MeSH D030342.
Centronuclear myopathy (CNM). Also called: Myotubular myopathy; Centronuclear myopathy, congenital. Identifiers: Orphanet 595, MedGen C0175709, MONDO:0018947. Inheritance: All.
Severe X-linked myotubular myopathy (CNMX). Also called: X-linked centronuclear myopathy; Myotubular myopathy, X-linked; MYOTUBULAR MYOPATHY 1. Identifiers: Orphanet 596, MedGen C0410203, MONDO:0010683, OMIM 310400.
Congenital myopathy with fiber type disproportion. Also called: Congenital fiber-type disproportion myopathy; Congenital fiber-type disproportion. Identifiers: Orphanet 2020, MedGen C0546264, MONDO:0009711. Inheritance: all.

Allele frequency attached by ClinVar (database versions not stated): gnomAD exomes below 0.00001.
gnomAD v4.1: 1 of 1,205,805 alleles (0.000083%); highest among the groups gnomAD compares: Non-Finnish European, 0.00011%; no homozygotes.

Submissions (10):

GeneDx
Classification: Pathogenic. Last evaluated: 2025-04-17. Review status: criteria provided, single submitter. Criteria: GeneDx Variant Classification Process June 2021. Collection method: clinical testing. Allele origin: germline. Affected: yes.
Comment: Published functional studies demonstrate a damaging effect on phosphatase activity (PMID: 23071445, 17973976, 23917616, 12646134); In silico analysis supports that this missense variant has a deleterious effect on protein structure/function; Not observed at significant frequency in large population cohorts (gnomAD); This variant is associated with the following publications: (PMID: 12522554, 11793470, 28685322, 34120822, 34366366, 34840057, 9285787, 12646134, 17973976, 9305655, 30149909, 22520358, 19084976, 30827497, 31216405, 32805447, 33062893, 34134972, 34671977, 38136996, 38264173, Woo_2022[Article], 23071445, 23917616, 10790201, 38982518, 27017278, 17537630)

Ambry Genetics
Classification: Likely pathogenic for Inborn genetic diseases. Last evaluated: 2025-01-15. Review status: criteria provided, single submitter. Criteria: Ambry Variant Classification Scheme 2023. Collection method: clinical testing. Allele origin: germline.
Comment: The c.1262G>A (p.R421Q) alteration is located in exon 12 (coding exon 11) of the MTM1 gene. This alteration results from a G to A substitution at nucleotide position 1262, causing the arginine (R) at amino acid position 421 to be replaced by a glutamine (Q). This variant was not reported in population-based cohorts in the Genome Aggregation Database (gnomAD). This variant was reported as heterozygous and hemizygous in individuals with features consistent with MTM1-related myotubular myopathy [X-linked] (de Gouyon, 1997; Laporte, 1997; Bevilacqua, 2009; Souza, 2020; Molera, 2022). This amino acid position is highly conserved in available vertebrate species. In an assay testing MTM1 function, this variant showed a functionally abnormal result (Amoasii, 2012). This alteration is predicted to be deleterious by in silico analysis. Based on the available evidence, this alteration is classified as likely pathogenic.

Muscle and Diseases Team, Institut de Génétique et Biologie Moléculaire et Cellulaire
Classification: Pathogenic for Centronuclear myopathy. Last evaluated: 2024-03-01. Review status: criteria provided, single submitter. Criteria: ACMG Guidelines, 2015. Collection method: research. Allele origin: de novo. Affected: yes. Observed: 2 variant alleles.
Comment: PS1+PS2+PM1+PM2+PP2+PP3+PP4+PP5

Muscle and Diseases Team, Institut de Génétique et Biologie Moléculaire et Cellulaire
Classification: Pathogenic for Congenital myopathy with fiber type disproportion. Last evaluated: 2024-03-01. Review status: criteria provided, single submitter. Criteria: ACMG Guidelines, 2015. Collection method: research. Allele origin: de novo. Affected: yes. Observed: 2 variant alleles.
Comment: the same text as in the submission from Muscle and Diseases Team, Institut de Génétique et Biologie Moléculaire et Cellulaire above.

3billion
Classification: Pathogenic for Severe X-linked myotubular myopathy. Last evaluated: 2022-03-22. Review status: criteria provided, single submitter. Criteria: ACMG Guidelines, 2015. Collection method: clinical testing. Allele origin: germline. Affected: yes. Observed: 1 hemizygote.
Comment: Same or different nucleotide change resulting in same amino acid change has been previously reported as pathogenic/likely pathogenic with strong evidence (ClinVar ID: VCV000158914, PMID:9285787). The variant has been observed in multiple (>3) similarly affected unrelated individuals (PMID: 22520358, 9285787, 9305655, 11793470). A different missense change at the same codon has been reported as pathogenic/likely pathogenic with strong evidence (ClinVar ID: VCV000599006, PMID:26338224). In silico tool predictions suggest damaging effect of the variant on gene or gene product (REVEL: 0.974>=0.6, 3CNET: 0.994>=0.75). It is not observed in the gnomAD v2.1.1 dataset. Therefore, this variant is classified as pathogenic according to the recommendation of ACMG/AMP guideline.

Institute of Medical Genetics and Applied Genomics, University Hospital Tübingen
Classification: Pathogenic. Last evaluated: 2021-02-01. Review status: criteria provided, single submitter. Criteria: ACMG Guidelines, 2015. Collection method: clinical testing. Allele origin: germline. Inheritance: X-linked recessive inheritance. Affected: yes.

Labcorp Genetics (formerly Invitae), Labcorp
Classification: Pathogenic for Severe X-linked myotubular myopathy. Last evaluated: 2020-01-15. Review status: criteria provided, single submitter. Criteria: Invitae Variant Classification Sherloc (09022015). Collection method: clinical testing. Allele origin: germline.
Comment: For these reasons, this variant has been classified as Pathogenic. This variant has been reported to affect MTM1 protein function (PMID: 23071445, 12646134, 23917616, 21135508, 17973976). This variant has been observed in individuals with myotubular myopathy (PMID: 22520358, 9285787, 9305655, 11793470, 10790201). ClinVar contains an entry for this variant (Variation ID: 158914). This variant is not present in population databases (rs587783772, ExAC no frequency). This sequence change replaces arginine with glutamine at codon 421 of the MTM1 protein (p.Arg421Gln). The arginine residue is highly conserved and there is a small physicochemical difference between arginine and glutamine.

Blueprint Genetics
Classification: Pathogenic for MTM1-related disorders. Last evaluated: 2019-06-14. Review status: criteria provided, single submitter. Criteria: ACMG Guidelines, 2015. Collection method: clinical testing. Allele origin: germline. Affected: yes. Observed: 1 variant allele.

Baylor Genetics
Classification: Pathogenic for Severe X-linked myotubular myopathy. Last evaluated: 2017-12-31. Review status: criteria provided, single submitter. Criteria: ACMG Guidelines, 2015. Collection method: clinical testing. Allele origin: germline. Affected: yes.

Genetic Services Laboratory, University of Chicago
Classification: Pathogenic for Myotubular myopathy, X-linked. Last evaluated: 2013-02-08. Review status: criteria provided, single submitter. Criteria: ACMG Guidelines, 2007. Collection method: clinical testing. Allele origin: germline. Inheritance: X-linked inheritance. Affected: yes.

Literature cited by the submitters: PubMed 9285787 (cited by 4 submitters); PubMed 9305655 (cited by 3 submitters); PubMed 19084976 (cited by Ambry Genetics); PubMed 23071445 (cited by Ambry Genetics and Labcorp Genetics (formerly Invitae), Labcorp); PubMed 33062893 (cited by Ambry Genetics); PubMed 34366366 (cited by Ambry Genetics); DOI 10.1186/s13073-024-01353-0 (cited by Muscle and Diseases Team, Institut de Génétique et Biologie Moléculaire et Cellulaire); PubMed 28685322 (cited by Muscle and Diseases Team, Institut de Génétique et Biologie Moléculaire et Cellulaire); PubMed 26338224 (cited by 3billion); PubMed 11793470 (cited by 3billion and Labcorp Genetics (formerly Invitae), Labcorp); PubMed 22520358 (cited by 3 submitters); PubMed 12646134 (cited by Labcorp Genetics (formerly Invitae), Labcorp); PubMed 23917616 (cited by Labcorp Genetics (formerly Invitae), Labcorp); PubMed 21135508 (cited by Labcorp Genetics (formerly Invitae), Labcorp); PubMed 17973976 (cited by Labcorp Genetics (formerly Invitae), Labcorp and Baylor Genetics); PubMed 10790201 (cited by Labcorp Genetics (formerly Invitae), Labcorp); PubMed 32805447 (cited by Blueprint Genetics).

NM_000252.3(MTM1):c.1262G>A (p.Arg421Gln)

Gene: MTM1 (myotubularin 1; plus strand). Cytogenetic location: Xq28.
Variant type: single nucleotide variant.
Coding change: c.1262G>A on transcript NM_000252.3 (MANE Select); coding-DNA position 1262, G replaced by A.
Protein change: p.Arg421Gln; replaces arginine 421 with glutamine.
Molecular consequence: missense variant.
Genome position (GRCh38, 1-based): chrX:150,659,665, G>A. VCF-style: chrX-150659665-G-A. GRCh37 (hg19) VCF-style: chrX-149828138-G-A.
Other names: c.1262G>A, p.Arg421Gln (NM_001376906.1, NM_001376908.1); c.1151G>A, p.Arg384Gln (NM_001376907.1); short protein forms R421Q, R384Q.
Identifiers: ClinVar variation 158914 (VCV000158914.24), dbSNP rs587783772, ClinGen allele CA271769.